The following is an entry in ClinVar:

NM_014053.4(FLVCR1):c.*891A>G

Gene: FLVCR1 (FLVCR choline and heme transporter 1; plus strand). Cytogenetic location: 1q32.3.
Variant type: single nucleotide variant.
Coding change: c.*891A>G on transcript NM_014053.4 (MANE Select); 891 bases downstream of the stop codon, A replaced by G.
Molecular consequence: 3 prime UTR variant.
Genome position (GRCh38, 1-based): chr1:212,896,181, A>G. VCF-style: chr1-212896181-A-G. GRCh37 (hg19) VCF-style: chr1-213069523-A-G.
Identifiers: ClinVar variation 295348 (VCV000295348.6), dbSNP rs41301029, ClinGen allele CA10609799.

ClinVar aggregate classification (germline): Benign. Review status: criteria provided, multiple submitters, no conflicts (2 of 4 stars). 2 submissions from 2 submitters: Benign (2). Last evaluated 2018-01-12.

Conditions:
Posterior column ataxia-retinitis pigmentosa syndrome (RETSNS). Also called: RETINOPATHY-SENSORY NEUROPATHY SYNDROME. Identifiers: Orphanet 88628, MedGen C1836916, MONDO:0012177, OMIM 609033.

Allele frequency attached by ClinVar (database versions not stated): 1000 Genomes Project 30x 0.02217; gnomAD 0.02451 and 0.02342; 1000 Genomes Project 0.02057; TOPMed 0.02247.

Submissions (2):

Illumina Laboratory Services, Illumina
Classification: Benign for Posterior column ataxia-retinitis pigmentosa syndrome. Last evaluated: 2018-01-12. Review status: criteria provided, single submitter. Criteria: ICSL Variant Classification Criteria 13 December 2019. Collection method: clinical testing. Allele origin: germline.
Comment: This variant was observed in the ICSL laboratory as part of a predisposition screen in an ostensibly healthy population. It had not been previously curated by ICSL or reported in the Human Gene Mutation Database (HGMD: prior to June 1st, 2018), and was therefore a candidate for classification through an automated scoring system. Utilizing variant allele frequency, disease prevalence and penetrance estimates, and inheritance mode, an automated score was calculated to assess if this variant is too frequent to cause the disease. Based on the score and internal cut-off values, a variant classified as benign is not then subjected to further curation. The score for this variant resulted in a classification of benign for this disease.

Breakthrough Genomics
Classification: Benign. Review status: criteria provided, single submitter. Criteria: ACMG Guidelines, 2015. Collection method: not provided. Allele origin: germline. Inheritance: Autosomal recessive inheritance. Affected: yes.